The following is an entry in ClinVar:

ClinVar aggregate classification (germline): Uncertain significance (1 of 4 stars; one submission).

Conditions:
Dyskeratosis congenita, autosomal dominant 6 (DKCA6). Identifiers: Orphanet 3322, MedGen C4225284, MONDO:0014690, OMIM 616553.

Submission:

Labcorp Genetics (formerly Invitae), Labcorp
Classification: Uncertain significance for Dyskeratosis congenita, autosomal dominant 6. Last evaluated: 2025-08-09. Review status: criteria provided, single submitter. Criteria: Invitae Variant Classification Sherloc (09022015). Collection method: clinical testing. Allele origin: germline.
Comment: This sequence change replaces serine, which is neutral and polar, with arginine, which is basic and polar, at codon 376 of the ACD protein (p.Ser376Arg). This variant is not present in population databases (gnomAD no frequency). This variant has not been reported in the literature in individuals affected with ACD-related conditions. Invitae Evidence Modeling of protein sequence and biophysical properties (such as structural, functional, and spatial information, amino acid conservation, physicochemical variation, residue mobility, and thermodynamic stability) indicates that this missense variant is expected to disrupt ACD protein function with a positive predictive value of 80%. In summary, the available evidence is currently insufficient to determine the role of this variant in disease. Therefore, it has been classified as a Variant of Uncertain Significance.

NM_001082486.2(ACD):c.870T>G (p.Ser290Arg)

Gene: ACD (ACD shelterin complex subunit and telomerase recruitment factor; minus strand). Cytogenetic location: 16q22.1.
Variant type: single nucleotide variant.
Coding change: c.870T>G on transcript NM_001082486.2 (MANE Select); coding-DNA position 870, T replaced by G.
Protein change: p.Ser290Arg; replaces serine 290 with arginine.
Molecular consequence: missense variant.
Genome position (GRCh38, 1-based): chr16:67,658,322, A>C on the plus strand (T>G on the coding strand, the complement: ACD is on the minus strand). VCF-style: chr16-67658322-A-C. GRCh37 (hg19) VCF-style: chr16-67692225-A-C.
Other names: c.783T>G, p.Ser261Arg (NM_001410884.1); c.861T>G, p.Ser287Arg (NM_022914.3); short protein forms S287R, S261R, S290R.
Identifiers: ClinVar variation 4700969 (VCV004700969.1).
Genomic context (GRCh38, chr16:67,658,322, plus strand): 5'-TCTCTGCCCTGGGTCTGGAGCAGCCAAGGACAGGGCAGGCAGAAGGCTGATGCTGGTACC[A>C]CTTTCCTCGGATGACATGTGGCCGGGTAAGGCCGGGGTTCCTGAGGAGGAGGGGACTTAT-3'
Protein context (NP_001075955.2, residues 280-300): ALPGHMSSEE[Ser290Arg]GTSISLLPAL